The following is an entry in ClinVar:

NM_015221.4(DNMBP):c.4301G>A (p.Cys1434Tyr)

Gene: DNMBP (dynamin binding protein; minus strand). Cytogenetic location: 10q24.2.
Variant type: single nucleotide variant.
Coding change: c.4301G>A on transcript NM_015221.4 (MANE Select); coding-DNA position 4301, G replaced by A.
Protein change: p.Cys1434Tyr; replaces cysteine 1434 with tyrosine.
Molecular consequence: missense variant.
Genome position (GRCh38, 1-based): chr10:99,880,058, C>T on the plus strand (G>A on the coding strand, the complement: DNMBP is on the minus strand). VCF-style: chr10-99880058-C-T. GRCh37 (hg19) VCF-style: chr10-101639815-C-T.
Other names: c.3197G>A, p.Cys1066Tyr (NM_001318326.2); c.2039G>A, p.Cys680Tyr (NM_001318327.2); short protein forms C1066Y, C1434Y, C722Y, C680Y.
Identifiers: ClinVar variation 1050477 (VCV001050477.4), dbSNP rs371661794, ClinGen allele CA5644322.
Genomic context (GRCh38, chr10:99,880,058, plus strand): 5'-CTAGCTACATCTGCAGAGTCCCCTGACCTTGGCTGGGAGGTGGAGTCTGGGTCTGAAGGG[C>T]ATCTGGAAGGACTACTCTCTGAATTACTCGGATTTAGGGATGCACTGAGAGTTCCTTGGT-3'
Protein context (NP_056036.1, residues 1424-1444): PSNSESSPSR[Cys1434Tyr]PSDPDSTSQP

ClinVar aggregate classification (germline): Uncertain significance. Review status: criteria provided, single submitter (1 of 4 stars). 2 submissions from 2 submitters: Uncertain significance (1). 1 of the submissions does not count toward it. Last evaluated 2022-12-20.

Allele frequency attached by ClinVar (database versions not stated): TOPMed 0.00001; ExAC 0.00002; gnomAD exomes 0.00002 and 0.00005; gnomAD 0.00003; ESP Exome Variant Server 0.00008.
gnomAD v4.1: 77 of 1,614,026 alleles (0.0048%); highest among the groups gnomAD compares: Non-Finnish European, 0.0064%; no homozygotes.

Submissions (2):

Ambry Genetics
Classification: Uncertain significance. Last evaluated: 2022-12-20. Review status: criteria provided, single submitter. Criteria: Ambry Variant Classification Scheme 2023. Collection method: clinical testing. Allele origin: germline.

Department of Pathology and Laboratory Medicine, Sinai Health System
Classification: Uncertain significance. Review status: no assertion criteria provided. Collection method: clinical testing. Allele origin: unknown. Affected: yes. Study: The Canadian Open Genetics Repository (COGR). Not counted in ClinVar's aggregate classification.
Comment: The DNMBP p.Cys1066Tyr variant was not identified in the literature nor was it identified in ClinVar. The variant was identified in dbSNP (ID: rs371661794) and LOVD 3.0 (variant effect not shared). The variant was identified in control databases in 5 of 282878 chromosomes at a frequency of 0.00001768 (Genome Aggregation Database March 6, 2019, v2.1.1). The variant was observed in the European (non-Finnish) population in 5 of 129190 chromosomes (freq: 0.000039), but was not observed in the African, Latino, Ashkenazi Jewish, East Asian, European (Finnish), Other, or South Asian populations. The p.Cys1066 residue is conserved in mammals but not in more distantly related organisms however four out of five computational analyses (PolyPhen-2, SIFT, AlignGVGD, BLOSUM, MutationTaster) do not suggest a high likelihood of impact to the protein; this information is not predictive enough to rule out pathogenicity. The variant occurs outside of the splicing consensus sequence and in silico or computational prediction software programs (SpliceSiteFinder, MaxEntScan, NNSPLICE, GeneSplicer) do not predict a difference in splicing. In summary, based on the above information the clinical significance of this variant cannot be determined with certainty at this time. This variant is classified as a variant of uncertain significance.